The following is an entry in ClinVar:

NM_018109.4(MTPAP):c.211C>T (p.Arg71Ter)

Gene: MTPAP (mitochondrial poly(A) polymerase; minus strand). Cytogenetic location: 10p11.23.
Variant type: single nucleotide variant.
Coding change: c.211C>T on transcript NM_018109.4 (MANE Select); coding-DNA position 211, C replaced by T.
Protein change: p.Arg71Ter; replaces arginine 71 with a stop codon.
Molecular consequence: nonsense.
Genome position (GRCh38, 1-based): chr10:30,341,587, G>A on the plus strand (C>T on the coding strand, the complement: MTPAP is on the minus strand). VCF-style: chr10-30341587-G-A. GRCh37 (hg19) VCF-style: chr10-30630516-G-A.
Other names: short protein forms R71*.
Identifiers: ClinVar variation 3233611 (VCV003233611.2), dbSNP rs2538469599, ClinGen allele CA376428538.
Genomic context (GRCh38, chr10:30,341,587, plus strand): 5'-ACTTGTTTTCACTGATTTTCTCTGGGCAATGTATTAAAACAGTCCGCTGTGCCTGTTCTC[G>A]TCTTTCATTTTGCATCTCAGAGAATCTCCTTTTGGGAATCTTGTCTTCAAAGCCTATGAA-3'

ClinVar aggregate classification (germline): Uncertain significance (1 of 4 stars; one submission).

Allele frequency attached by ClinVar (database versions not stated): gnomAD exomes below 0.00001.

Submission:

Women's Health and Genetics/Laboratory Corporation of America, LabCorp
Classification: Uncertain significance. Last evaluated: 2024-03-07. Review status: criteria provided, single submitter. Criteria: LabCorp Variant Classification Summary - May 2015. Collection method: clinical testing. Allele origin: germline.
Comment: Variant summary: MTPAP c.211C>T (p.Arg71X) results in a premature termination codon, predicted to cause a truncation of the encoded protein or absence of the protein due to nonsense mediated decay, however the molecular mechanism of disease attributed to MTPAP is currently unknown. The variant was absent in 251394 control chromosomes. The available data on variant occurrences in the general population are insufficient to allow any conclusion about variant significance. To our knowledge, no occurrence of c.211C>T in individuals affected with Spastic Ataxia 4 and no experimental evidence demonstrating its impact on protein function have been reported. No submitters have cited clinical-significance assessments for this variant to ClinVar. Based on the evidence outlined above, the variant was classified as uncertain significance.